The following is an entry in ClinVar:

ClinVar aggregate classification (germline): Uncertain significance (1 of 4 stars; one submission).

Conditions:
Progressive encephalopathy with leukodystrophy due to DECR deficiency. Identifiers: Orphanet 431361, MedGen C1857252, MONDO:0014464, OMIM 616034.

Submission:

Labcorp Genetics (formerly Invitae), Labcorp
Classification: Uncertain significance for Progressive encephalopathy with leukodystrophy due to DECR deficiency. Last evaluated: 2025-07-22. Review status: criteria provided, single submitter. Criteria: Invitae Variant Classification Sherloc (09022015). Collection method: clinical testing. Allele origin: germline.
Comment: This sequence change replaces arginine, which is basic and polar, with histidine, which is basic and polar, at codon 53 of the NADK2 protein (p.Arg53His). This variant is not present in population databases (gnomAD no frequency). This variant has not been reported in the literature in individuals affected with NADK2-related conditions. ClinVar contains an entry for this variant (Variation ID: 1983016). An algorithm developed to predict the effect of missense changes on protein structure and function (PolyPhen-2) suggests that this variant is likely to be tolerated. In summary, the available evidence is currently insufficient to determine the role of this variant in disease. Therefore, it has been classified as a Variant of Uncertain Significance.

NM_001085411.3(NADK2):c.158G>A (p.Arg53His)

Genes: NADK2 (NAD kinase 2, mitochondrial; minus strand), LOC129993801 (ATAC-STARR-seq lymphoblastoid silent region 15972; plus strand). Cytogenetic location: 5p13.2.
Variant type: single nucleotide variant.
Coding change: c.158G>A on transcript NM_001085411.3 (MANE Select); coding-DNA position 158, G replaced by A.
Protein change: p.Arg53His; replaces arginine 53 with histidine.
Molecular consequence: missense variant. On other transcripts: intron variant (2).
Genome position (GRCh38, 1-based): chr5:36,241,641, C>T on the plus strand (G>A on the coding strand, the complement: NADK2 is on the minus strand). VCF-style: chr5-36241641-C-T. GRCh37 (hg19) VCF-style: chr5-36241743-C-T.
Other names: c.-190+455G>A (NM_153013.5, NM_001287341.2); short protein forms R53H.
Identifiers: ClinVar variation 1983016 (VCV001983016.4), dbSNP rs1442888356, ClinGen allele CA359447891.